The following is an entry in ClinVar:

ClinVar aggregate classification (germline): Benign/Likely benign. Review status: criteria provided, multiple submitters, no conflicts (2 of 4 stars). 8 submissions from 8 submitters: Benign (2); Likely benign (6). Last evaluated 2026-07-23.

Conditions:
ATM-related disorder. Also called: ATM-related disorders; ATM-related condition.
Familial colorectal cancer type X. Identifiers: Orphanet 440437, MedGen C3896578, MONDO:0018604.
Hereditary cancer-predisposing syndrome. Also called: Hereditary Cancer Syndrome; Tumor predisposition; Neoplastic Syndromes, Hereditary; Hereditary neoplastic syndrome. Identifiers: Orphanet 140162, MedGen C0027672, MeSH D009386, MONDO:0015356.
Familial cancer of breast. Also called: hereditary breast carcinoma; BREAST CANCER, FAMILIAL; Hereditary breast cancer. Identifiers: Orphanet 227535, MedGen C0346153, MONDO:0016419, OMIM 114480. Disease mechanism: loss of function.
Ataxia-telangiectasia syndrome (AT). Also called: ATAXIA-TELANGIECTASIA, COMPLEMENTATION GROUP A; ATAXIA-TELANGIECTASIA, FRESNO VARIANT; Ataxia-telangiectasia; Ataxia-telangiectasia, complementation group E; Cerebello-oculocutaneous telangiectasia; Immunodeficiency with ataxia telangiectasia. Identifiers: Orphanet 100, MedGen C0004135, MONDO:0008840, OMIM 208900.

Allele frequency attached by ClinVar (database versions not stated): TOPMed 0.00001; gnomAD exomes 0.00007; gnomAD 0.00001.
gnomAD v4.1: 104 of 1,613,562 alleles (0.0064%); highest among the groups gnomAD compares: Middle Eastern, 0.016%; no homozygotes.

Submissions (8):

PreventionGenetics, part of Exact Sciences
Classification: Likely benign for ATM-related condition. Last evaluated: 2026-07-23. Review status: criteria provided, single submitter. Criteria: ACMG Guidelines, 2015. Collection method: clinical testing. Allele origin: germline.
Comment: This variant is classified as likely benign based on ACMG/AMP sequence variant interpretation guidelines (Richards et al. 2015 PMID: 25741868, with internal and published modifications).

Labcorp Genetics (formerly Invitae), Labcorp
Classification: Likely benign for Ataxia-telangiectasia syndrome. Last evaluated: 2026-02-02. Review status: criteria provided, single submitter. Criteria: Invitae Variant Classification Sherloc (09022015). Collection method: clinical testing. Allele origin: germline.

Myriad Genetics, Inc.
Classification: Benign for Familial cancer of breast. Last evaluated: 2024-06-20. Review status: criteria provided, single submitter. Criteria: Myriad Autosomal Dominant, Autosomal Recessive and X-Linked Classification Criteria (2023). Collection method: clinical testing. Allele origin: unknown.
Comment: This variant is considered benign. This variant is a silent/synonymous amino acid change and it is not expected to impact splicing.

Department of Pathology and Laboratory Medicine, Sinai Health System
Classification: Likely benign for Familial colorectal cancer type X. Last evaluated: 2020-01-28. Review status: criteria provided, single submitter. Criteria: ACMG Guidelines, 2015. Collection method: clinical testing. Allele origin: germline. Affected: yes.

Women's Health and Genetics/Laboratory Corporation of America, LabCorp
Classification: Likely benign. Last evaluated: 2017-12-15. Review status: criteria provided, single submitter. Criteria: LabCorp Variant Classification Summary - May 2015. Collection method: clinical testing. Allele origin: germline.
Comment: Variant summary: The ATM c.8574T>C (p.Thr2858Thr) variant involves the alteration of a non-conserved nucleotide, resulting in a synonymous change. One in silico tool predicts a damaging outcome for this variant. 5/5 splice prediction tools predict no significant impact on normal splicing. ESE finder predicts that this variant does not affect any ESE site. However, these predictions have yet to be confirmed by functional studies. This variant was found in 1/265664 control chromosomes at a frequency of 0.0000038, which does not exceed the estimated maximal expected allele frequency of a pathogenic ATM variant (0.0010005). The reported carrier of this variant is >70-year old and cancer free (FLOSSIES database), suggesting the variant of interest does not have a damaging effect. In addition, multiple clinical diagnostic laboratories/reputable databases classified this variant as likely benign. Taken together, this variant is classified as likely benign.

Color Diagnostics, LLC DBA Color Health
Classification: Likely benign for Hereditary cancer-predisposing syndrome. Last evaluated: 2016-04-26. Review status: criteria provided, single submitter. Criteria: ACMG Guidelines, 2015. Collection method: clinical testing. Allele origin: germline.

GeneDx
Classification: Benign. Last evaluated: 2015-05-13. Review status: criteria provided, single submitter. Criteria: GeneDx Variant Classification Process June 2021. Collection method: clinical testing. Allele origin: germline. Affected: yes.

Ambry Genetics
Classification: Likely benign for Hereditary cancer-predisposing syndrome. Last evaluated: 2014-11-18. Review status: criteria provided, single submitter. Criteria: Ambry Variant Classification Scheme 2023. Collection method: clinical testing. Allele origin: germline.

Literature cited by the submitters: PubMed 28779002 (cited by Department of Pathology and Laboratory Medicine, Sinai Health System and Women's Health and Genetics/Laboratory Corporation of America, LabCorp).

NM_000051.4(ATM):c.8574T>C (p.Thr2858=)

Genes: ATM (ATM serine/threonine kinase; plus strand), C11orf65 (chromosome 11 open reading frame 65; minus strand). Cytogenetic location: 11q22.3.
Variant type: single nucleotide variant.
Coding change: c.8574T>C on transcript NM_000051.4 (MANE Select); coding-DNA position 8574, T replaced by C.
Protein change: p.Thr2858=; no amino-acid change (threonine 2858 retained).
Molecular consequence: synonymous variant. On other transcripts: intron variant (2).
Genome position (GRCh38, 1-based): chr11:108,345,898, T>C. VCF-style: chr11-108345898-T-C. GRCh37 (hg19) VCF-style: chr11-108216625-T-C.
Other names: c.8574T>C, p.Thr2858= (NM_001351834.2); c.641-36827A>G (NM_001330368.2); c.695-10606A>G (NM_001351110.2).
Identifiers: ClinVar variation 187026 (VCV000187026.25), dbSNP rs786203415, ClinGen allele CA196535.